The following is an entry in ClinVar:

NM_000295.5(SERPINA1):c.1093G>C (p.Asp365His)

Gene: SERPINA1 (serpin family A member 1; minus strand). Cytogenetic location: 14q32.13.
Variant type: single nucleotide variant.
Coding change: c.1093G>C on transcript NM_000295.5 (MANE Select); coding-DNA position 1093, G replaced by C.
Protein change: p.Asp365His; replaces aspartic acid 365 with histidine.
Molecular consequence: missense variant.
Genome position (GRCh38, 1-based): chr14:94,378,613, C>G on the plus strand (G>C on the coding strand, the complement: SERPINA1 is on the minus strand). VCF-style: chr14-94378613-C-G. GRCh37 (hg19) VCF-style: chr14-94844950-C-G.
Other names: c.1093G>C, p.Asp365His (NM_001002235.3, NM_001002236.3, NM_001127700.2 and 7 more transcripts); short protein forms D365H.
Identifiers: ClinVar variation 2577261 (VCV002577261.2), dbSNP rs143370956, ClinGen allele CA7327282.

ClinVar aggregate classification (germline): Uncertain significance (1 of 4 stars; one submission).

gnomAD v4.1: 35 of 1,614,116 alleles (0.0022%); highest among the groups gnomAD compares: South Asian, 0.0099%; no homozygotes.

Submission:

Women's Health and Genetics/Laboratory Corporation of America, LabCorp
Classification: Uncertain significance. Last evaluated: 2025-04-23. Review status: criteria provided, single submitter. Criteria: LabCorp Variant Classification Summary - May 2015. Collection method: clinical testing. Allele origin: germline.
Comment: Variant summary: SERPINA1 c.1093G>C (p.Asp365His), also known as D341H and Z little rock, results in a non-conservative amino acid change in the encoded protein sequence. Four of five in-silico tools predict a damaging effect of the variant on protein function. The variant allele was found at a frequency of 3.2e-05 in 251350 control chromosomes. The available data on variant occurrences in the general population are insufficient to allow any conclusion about variant significance. c.1093G>C has been observed in individual(s) affected with Alpha-1-Antitrypsin Deficiency, without strong evidence of causality (e.g. Gonzalez_2022, Wiesemann_2023). These report(s) do not provide unequivocal conclusions about association of the variant with Alpha-1-Antitrypsin Deficiency. To our knowledge, no experimental evidence demonstrating an impact on protein function has been reported. The following publications have been ascertained in the context of this evaluation (PMID: 36496391, 36367950). ClinVar contains an entry for this variant (Variation ID: 2577261). Based on the evidence outlined above, the variant was classified as uncertain significance.

Literature cited by the submitters: PubMed 36367950; PubMed 36496391.